The following is an entry in ClinVar:

NM_001367624.2(ZNF469):c.8838C>T (p.Ser2946=)

Gene: ZNF469 (zinc finger protein 469; plus strand). Cytogenetic location: 16q24.2.
Variant type: single nucleotide variant.
Coding change: c.8838C>T on transcript NM_001367624.2 (MANE Select); coding-DNA position 8838, C replaced by T.
Protein change: p.Ser2946=; no amino-acid change (serine 2946 retained).
Molecular consequence: synonymous variant.
Genome position (GRCh38, 1-based): chr16:88,436,308, C>T. VCF-style: chr16-88436308-C-T. GRCh37 (hg19) VCF-style: chr16-88502716-C-T.
Other names: NM_001127464.1:c.8754C>T; NM_001127464.2:c.8754C>T.
Identifiers: ClinVar variation 1764546 (VCV001764546.9), dbSNP rs956645977, ClinGen allele CA286384688.
Genomic context (GRCh38, chr16:88,436,308, plus strand): 5'-GGAGGACGAGGATCCCGCAGGTCTGCCCGAGTCCTTCCTCCTGGATGGGTTCCTCAATAG[C>T]AGGGTGCCTGGCATTGACCCCTGGGCCCCCGGCCTCAGCCTGTGGGCCCTGGAGCCCAGC-3'
Protein context (NP_001354553.1, residues 2936-2956): ESFLLDGFLN[Ser2946=]RVPGIDPWAP

ClinVar aggregate classification (germline): Likely benign. Review status: criteria provided, multiple submitters, no conflicts (2 of 4 stars). 4 submissions from 4 submitters: Likely benign (4). Last evaluated 2026-03-10.

Conditions:
ZNF469-related disorder. Also called: ZNF469-related condition.
Cardiovascular phenotype. Identifiers: MedGen CN230736.

Allele frequency attached by ClinVar (database versions not stated): TOPMed 0.00032; gnomAD exomes 0.00001; gnomAD 0.00015.
gnomAD v4.1: 43 of 1,549,662 alleles (0.0028%); highest among the groups gnomAD compares: Admixed American, 0.063%; no homozygotes.

Submissions (4):

Women's Health and Genetics/Laboratory Corporation of America, LabCorp
Classification: Likely benign. Last evaluated: 2026-03-10. Review status: criteria provided, single submitter. Criteria: LabCorp Variant Classification Summary - May 2015. Collection method: clinical testing. Allele origin: germline.

Labcorp Genetics (formerly Invitae), Labcorp
Classification: Likely benign. Last evaluated: 2025-12-22. Review status: criteria provided, single submitter. Criteria: Invitae Variant Classification Sherloc (09022015). Collection method: clinical testing. Allele origin: germline.

PreventionGenetics, part of Exact Sciences
Classification: Likely benign for ZNF469-related condition. Last evaluated: 2025-11-03. Review status: criteria provided, single submitter. Criteria: ACMG Guidelines, 2015. Collection method: clinical testing. Allele origin: germline.
Comment: This variant is classified as likely benign based on ACMG/AMP sequence variant interpretation guidelines (Richards et al. 2015 PMID: 25741868, with internal and published modifications).

Ambry Genetics
Classification: Likely benign for Cardiovascular phenotype. Last evaluated: 2020-04-20. Review status: criteria provided, single submitter. Criteria: Ambry Variant Classification Scheme 2023. Collection method: clinical testing. Allele origin: germline.